The following is an entry in ClinVar:

NM_001458.5(FLNC):c.6728-3C>T

Genes: FLNC (filamin C; plus strand), FLNC-AS1 (FLNC antisense RNA 1; minus strand). Cytogenetic location: 7q32.1.
Variant type: single nucleotide variant.
Coding change: c.6728-3C>T on transcript NM_001458.5 (MANE Select); 3 bases into the intron before coding-DNA position 6728, C replaced by T.
Molecular consequence: intron variant.
Genome position (GRCh38, 1-based): chr7:128,854,410, C>T. VCF-style: chr7-128854410-C-T. GRCh37 (hg19) VCF-style: chr7-128494464-C-T.
Other names: c.6629-3C>T (NM_001127487.2).
Identifiers: ClinVar variation 1923270 (VCV001923270.5), dbSNP rs1396231198, ClinGen allele CA578150646.

ClinVar aggregate classification (germline): Uncertain significance (1 of 4 stars; one submission).

Conditions:
Distal myopathy with posterior leg and anterior hand involvement. Also called: WILLIAMS DISTAL MYOPATHY. Identifiers: Orphanet 63273, MedGen C3279722, MONDO:0013550, OMIM 614065.
Hypertrophic cardiomyopathy 26. Also called: Cardiomyopathy, familial hypertrophic, 26. Identifiers: Orphanet 75249, MedGen C4310749, MONDO:0014883, OMIM 617047.
Myofibrillar myopathy 5. Also called: Filaminopathy (type); FILAMINOPATHY, AUTOSOMAL DOMINANT. Identifiers: Orphanet 171445, MedGen C1836050, MONDO:0012289, OMIM 609524.

Submission:

Labcorp Genetics (formerly Invitae), Labcorp
Classification: Uncertain significance for Distal myopathy with posterior leg and anterior hand involvement; Myofibrillar myopathy 5; Hypertrophic cardiomyopathy 26. Last evaluated: 2022-10-13. Review status: criteria provided, single submitter. Criteria: Invitae Variant Classification Sherloc (09022015). Collection method: clinical testing. Allele origin: germline.
Comment: In summary, the available evidence is currently insufficient to determine the role of this variant in disease. Therefore, it has been classified as a Variant of Uncertain Significance. Variants that disrupt the consensus splice site are a relatively common cause of aberrant splicing (PMID: 17576681, 9536098). Algorithms developed to predict the effect of sequence changes on RNA splicing suggest that this variant is not likely to affect RNA splicing. This variant has not been reported in the literature in individuals affected with FLNC-related conditions. This variant is not present in population databases (gnomAD no frequency). This sequence change falls in intron 40 of the FLNC gene. It does not directly change the encoded amino acid sequence of the FLNC protein. It affects a nucleotide within the consensus splice site.

Literature cited by the submitters: PubMed 17576681; PubMed 9536098.